The following is an entry in ClinVar:

ClinVar aggregate classification (germline): Likely pathogenic. Review status: criteria provided, multiple submitters, no conflicts (2 of 4 stars). 2 submissions from 2 submitters: Likely pathogenic (2). Last evaluated 2018-07-01.

Conditions:
Tubulinopathy. Also called: Tubulinopathies. Identifiers: MedGen CN850169, MONDO:0100153.

Submissions (2):

Institute of Human Genetics, FAU Erlangen, Friedrich-Alexander-Universität Erlangen-Nürnberg
Classification: Likely pathogenic for Tubulinopathies. Last evaluated: 2018-07-01. Review status: criteria provided, single submitter. Criteria: ACMG Guidelines, 2015. Collection method: literature only. Allele origin: germline. Affected: yes. Observed: 1 variant allele.
Comment: The c.139G>C, p.(Asp47His) variant has been reported as a variant of germline/unknown origin.

GeneDx
Classification: Likely pathogenic. Last evaluated: 2015-10-08. Review status: criteria provided, single submitter. Criteria: GeneDx Variant Classification (06012015). Collection method: clinical testing. Allele origin: germline. Affected: yes.
Comment: The D47H variant in the TUBA1A gene has not been published as a pathogenic variant, nor has it been reported as a benign polymorphism to our knowledge. The D47H variant was not observed in approximately 6,500 individuals of European and African American ancestry in the NHLBI Exome Sequencing Project, indicating it is not a common benign variant in these populations. The D47H variant is a non-conservative amino acid substitution, which is likely to impact secondary protein structure as these residues differ in polarity, charge, size and/or other properties. This substitution occurs at a position that is conserved across species. However, in silico analysis is inconsistent in its predictions as to whether or not the variant is damaging to the protein structure/function. Missense variants in nearby residues (E55K and T56M) have been reported in the Human Gene Mutation Database in association with TUBA1A-related disorders (Stenson et al., 2014), supporting the functional importance of this region of the protein. We interpret D47H as a strong candidate for a pathogenic variant. However the possibility that D47H may be a rare benign variant cannot be excluded.

Literature cited by the submitters: PubMed 30744660 (cited by Institute of Human Genetics, FAU Erlangen, Friedrich-Alexander-Universität Erlangen-Nürnberg); DOI 10.1101/427948 (cited by Institute of Human Genetics, FAU Erlangen, Friedrich-Alexander-Universität Erlangen-Nürnberg).

NM_006009.4(TUBA1A):c.139G>C (p.Asp47His)

Gene: TUBA1A (tubulin alpha 1a; minus strand). Cytogenetic location: 12q13.12.
Variant type: single nucleotide variant.
Coding change: c.139G>C on transcript NM_006009.4 (MANE Select); coding-DNA position 139, G replaced by C.
Protein change: p.Asp47His; replaces aspartic acid 47 with histidine.
Molecular consequence: missense variant.
Genome position (GRCh38, 1-based): chr12:49,186,698, C>G on the plus strand (G>C on the coding strand, the complement: TUBA1A is on the minus strand). VCF-style: chr12-49186698-C-G. GRCh37 (hg19) VCF-style: chr12-49580481-C-G.
Other names: c.139G>C, p.Asp47His (NM_001270399.2); c.34G>C, p.Asp12His (NM_001270400.2); short protein forms D47H, D12H.
Identifiers: ClinVar variation 431912 (VCV000431912.2), dbSNP rs1555162536, ClinGen allele CA384645222.